The following is an entry in ClinVar:

ClinVar aggregate classification (germline): Pathogenic/Likely pathogenic. Review status: criteria provided, multiple submitters, no conflicts (2 of 4 stars). 5 submissions from 5 submitters: Pathogenic (2); Likely pathogenic (2). 1 of the submissions does not count toward it. Last evaluated 2024-10-28.

Conditions:
Congenital heart defects, dysmorphic facial features, and intellectual developmental disorder (CHDFIDD). Identifiers: Orphanet 646278, MedGen C4479246, MONDO:0044302, OMIM 617360.

Submissions (5):

Labcorp Genetics (formerly Invitae), Labcorp
Classification: Pathogenic. Last evaluated: 2024-10-28. Review status: criteria provided, single submitter. Criteria: Invitae Variant Classification Sherloc (09022015). Collection method: clinical testing. Allele origin: germline.
Comment: This sequence change replaces glycine, which is neutral and non-polar, with glutamic acid, which is acidic and polar, at codon 857 of the CDK13 protein (p.Gly857Glu). This variant is not present in population databases (gnomAD no frequency). This missense change has been observed in individual(s) with CDK13-related conditions (PMID: 35063350). In at least one individual the variant was observed to be de novo. ClinVar contains an entry for this variant (Variation ID: 689751). Invitae Evidence Modeling of protein sequence and biophysical properties (such as structural, functional, and spatial information, amino acid conservation, physicochemical variation, residue mobility, and thermodynamic stability) indicates that this missense variant is expected to disrupt CDK13 protein function with a positive predictive value of 95%. For these reasons, this variant has been classified as Pathogenic.

GeneDx
Classification: Pathogenic. Last evaluated: 2024-03-06. Review status: criteria provided, single submitter. Criteria: GeneDx Variant Classification Process June 2021. Collection method: clinical testing. Allele origin: germline. Affected: yes.
Comment: Not observed at significant frequency in large population cohorts (gnomAD); In silico analysis supports that this missense variant has a deleterious effect on protein structure/function; This variant is associated with the following publications: (PMID: 31216405, 35063350)

Daryl Scott Lab, Baylor College of Medicine
Classification: Likely pathogenic for Congenital heart defects, dysmorphic facial features, and intellectual developmental disorder. Last evaluated: 2024-01-01. Review status: criteria provided, single submitter. Criteria: ACMG Guidelines, 2015. Collection method: clinical testing. Allele origin: de novo. Affected: yes. Observed: 1 heterozygote.
Comment: PS2, PM2, PP3

Baylor Genetics
Classification: Likely pathogenic for Congenital heart defects, dysmorphic facial features, and intellectual developmental disorder. Last evaluated: 2017-12-31. Review status: criteria provided, single submitter. Criteria: ACMG Guidelines, 2015. Collection method: clinical testing. Allele origin: germline. Affected: yes.

Centre de Biologie Pathologie Génétique, Centre Hospitalier Universitaire de Lille
Classification: Likely pathogenic for Congenital heart defects, dysmorphic facial features, and intellectual developmental disorder. Last evaluated: 2019-01-01. Review status: no assertion criteria provided. Collection method: clinical testing. Allele origin: unknown. Affected: yes. Not counted in ClinVar's aggregate classification.

Literature cited by the submitters: PubMed 35063350 (cited by Labcorp Genetics (formerly Invitae), Labcorp).

NM_003718.5(CDK13):c.2570G>A (p.Gly857Glu)

Gene: CDK13 (cyclin dependent kinase 13; plus strand). Cytogenetic location: 7p14.1.
Variant type: single nucleotide variant.
Coding change: c.2570G>A on transcript NM_003718.5 (MANE Select); coding-DNA position 2570, G replaced by A.
Protein change: p.Gly857Glu; replaces glycine 857 with glutamic acid.
Molecular consequence: missense variant.
Genome position (GRCh38, 1-based): chr7:40,047,847, G>A. VCF-style: chr7-40047847-G-A. GRCh37 (hg19) VCF-style: chr7-40087446-G-A.
Other names: c.2570G>A, p.Gly857Glu (NM_031267.4); short protein forms G857E.
Identifiers: ClinVar variation 689751 (VCV000689751.6), dbSNP rs1584035995, ClinGen allele CA367280867.